The following is an entry in ClinVar:

ClinVar aggregate classification (germline): Pathogenic/Likely pathogenic. Review status: criteria provided, multiple submitters, no conflicts (2 of 4 stars). 5 submissions from 5 submitters: Pathogenic (3); Likely pathogenic (2). Last evaluated 2025-11-03.

Conditions:
Galactosemia. Also called: Galactose intolerance. Identifiers: Orphanet 352, MedGen C0016952, MONDO:0018116, HP:0004919. Disease mechanism: loss of function.
Deficiency of UDPglucose-hexose-1-phosphate uridylyltransferase. Also called: GALT deficiency; Galactosemia, classic; Transferase Deficiency Galactosemia; GALACTOSEMIA I; GALACTOSE-1-PHOSPHATE URIDYLYLTRANSFERASE DEFICIENCY. Identifiers: Orphanet 352, Orphanet 79239, MedGen C0268151, MONDO:0009258, OMIM 230400.

Submissions (5):

Myriad Genetics, Inc.
Classification: Likely pathogenic for Deficiency of UDPglucose-hexose-1-phosphate uridylyltransferase. Last evaluated: 2025-11-03. Review status: criteria provided, single submitter. Criteria: Myriad Autosomal Dominant, Autosomal Recessive and X-Linked Classification Criteria (2023). Collection method: clinical testing. Allele origin: unknown.
Comment: NM_000155.3(GALT):c.626A>C(Y209S) is a missense variant classified as likely pathogenic in the context of galactosemia. Y209S has been observed in cases with relevant disease (PMID: 16765930, 17957157, 22944367, 10399107, 34030713, 10649501). Relevant functional assessments of this variant are not available in the literature. Y209S has not been observed in referenced population frequency databases. In summary, NM_000155.3(GALT):c.626A>C(Y209S) is a missense variant that has been observed more frequently in cases with the relevant disease than in healthy populations. Please note: this variant was assessed in the context of healthy population screening.

Natera, Inc.
Classification: Pathogenic for Galactosemia. Last evaluated: 2025-07-14. Review status: criteria provided, single submitter. Criteria: Natera Variant Classification Schema (03/2026). Collection method: clinical testing. Allele origin: germline.
Comment: The c.626A>C variant in GALT is a missense variant predicted to cause substitution of tyrosine to serine at amino acid 209. This variant is rare in the general population with a frequency below the threshold expected for the associated phenotype(s). This variant has been observed in one or more individuals affected with the associated recessive disease, as either homozygous or compound heterozygous with a second variant (PMID: 16765930, 34030713, 10399107, 22944367). A different variant at the same position has been determined to be Pathogenic or Likely Pathogenic. Computational prediction algorithms indicate this variant is likely to affect gene or protein function. Given the available evidence, this variant is classified as Pathogenic.

Women's Health and Genetics/Laboratory Corporation of America, LabCorp
Classification: Pathogenic for Deficiency of UDPglucose-hexose-1-phosphate uridylyltransferase. Last evaluated: 2024-08-12. Review status: criteria provided, single submitter. Criteria: LabCorp Variant Classification Summary - May 2015. Collection method: clinical testing. Allele origin: germline.
Comment: Variant summary: GALT c.626A>C (p.Tyr209Ser) results in a non-conservative amino acid change located in the Galactose-1-phosphate uridyl transferase, C-terminal domain (IPR005850) of the encoded protein sequence. Five of five in-silico tools predict a damaging effect of the variant on protein function. The variant was absent in 251482 control chromosomes. c.626A>C has been reported in the literature in individuals affected with Galactosemia (examples: Zekanowski_1999, Mirzajani_2006, Boutron_2012). These data indicate that the variant is likely to be associated with disease. A different variant affecting the same codon has been classified as pathogenic by our lab (c.626A>G, p.Tyr209Cys), supporting the critical relevance of codon 209 to GALT protein function. The following publications have been ascertained in the context of this evaluation (PMID: 16765930, 22944367, 10399107). ClinVar contains an entry for this variant (Variation ID: 25232). Based on the evidence outlined above, the variant was classified as pathogenic.

Baylor Genetics
Classification: Likely pathogenic for Deficiency of UDPglucose-hexose-1-phosphate uridylyltransferase. Last evaluated: 2023-11-04. Review status: criteria provided, single submitter. Criteria: ACMG Guidelines, 2015. Collection method: clinical testing. Allele origin: unknown.

Labcorp Genetics (formerly Invitae), Labcorp
Classification: Pathogenic for Deficiency of UDPglucose-hexose-1-phosphate uridylyltransferase. Last evaluated: 2022-06-13. Review status: criteria provided, single submitter. Criteria: Invitae Variant Classification Sherloc (09022015). Collection method: clinical testing. Allele origin: germline.
Comment: This variant disrupts the p.Tyr209 amino acid residue in GALT. Other variant(s) that disrupt this residue have been determined to be pathogenic (PMID: 10399107, 11397328, 16540753). This suggests that this residue is clinically significant, and that variants that disrupt this residue are likely to be disease-causing. For these reasons, this variant has been classified as Pathogenic. Advanced modeling of protein sequence and biophysical properties (such as structural, functional, and spatial information, amino acid conservation, physicochemical variation, residue mobility, and thermodynamic stability) performed at Invitae indicates that this missense variant is expected to disrupt GALT protein function. This sequence change replaces tyrosine, which is neutral and polar, with serine, which is neutral and polar, at codon 209 of the GALT protein (p.Tyr209Ser). This variant is not present in population databases (gnomAD no frequency). This missense change has been observed in individual(s) with classic galactosemia (PMID: 16765930, 22944367, 34030713). ClinVar contains an entry for this variant (Variation ID: 25232).

Literature cited by the submitters: PubMed 10399107 (cited by 4 submitters); PubMed 10649501 (cited by Myriad Genetics, Inc.); PubMed 16765930 (cited by 4 submitters); PubMed 17957157 (cited by Myriad Genetics, Inc.); PubMed 22944367 (cited by 4 submitters); PubMed 34030713 (cited by 3 submitters); PubMed 11397328 (cited by Labcorp Genetics (formerly Invitae), Labcorp); PubMed 16540753 (cited by Labcorp Genetics (formerly Invitae), Labcorp).

NM_000155.4(GALT):c.626A>C (p.Tyr209Ser)

Gene: GALT (galactose-1-phosphate uridylyltransferase; plus strand). Cytogenetic location: 9p13.3.
Variant type: single nucleotide variant.
Coding change: c.626A>C on transcript NM_000155.4 (MANE Select); coding-DNA position 626, A replaced by C.
Protein change: p.Tyr209Ser; replaces tyrosine 209 with serine.
Molecular consequence: missense variant.
Genome position (GRCh38, 1-based): chr9:34,648,395, A>C. VCF-style: chr9-34648395-A-C. GRCh37 (hg19) VCF-style: chr9-34648392-A-C.
Other names: c.299A>C, p.Tyr100Ser (NM_001258332.2); short protein forms Y100S.
Identifiers: ClinVar variation 25232 (VCV000025232.23), dbSNP rs111033744, ClinGen allele CA259457.